The following is an entry in ClinVar:

ClinVar aggregate classification (germline): Uncertain significance (1 of 4 stars; one submission).

gnomAD v4.1: 3 of 1,614,150 alleles (0.00019%); highest among the groups gnomAD compares: African/African-American, 0.0013%; no homozygotes.

Submission:

GeneDx
Classification: Uncertain significance. Last evaluated: 2025-02-04. Review status: criteria provided, single submitter. Criteria: GeneDx Variant Classification Process June 2021. Collection method: clinical testing. Allele origin: germline. Affected: yes.
Comment: Not observed in large population cohorts (gnomAD); In silico analysis supports that this missense variant has a deleterious effect on protein structure/function; Has not been previously published as pathogenic or benign to our knowledge

NM_182977.3(NNT):c.2012A>G (p.Glu671Gly)

Gene: NNT (nicotinamide nucleotide transhydrogenase; plus strand). Cytogenetic location: 5p12.
Variant type: single nucleotide variant.
Coding change: c.2012A>G on transcript NM_182977.3 (MANE Select); coding-DNA position 2012, A replaced by G.
Protein change: p.Glu671Gly; replaces glutamic acid 671 with glycine.
Molecular consequence: missense variant.
Genome position (GRCh38, 1-based): chr5:43,653,166, A>G. VCF-style: chr5-43653166-A-G. GRCh37 (hg19) VCF-style: chr5-43653268-A-G.
Other names: c.1619A>G, p.Glu540Gly (NM_001331026.2); c.2012A>G, p.Glu671Gly (NM_012343.4); short protein forms E540G, E671G.
Identifiers: ClinVar variation 4072467 (VCV004072467.1).